The following is an entry in ClinVar:

NM_000439.5(PCSK1):c.1935C>A (p.Ser645Arg)

Genes: CAST (calpastatin; plus strand), PCSK1 (proprotein convertase subtilisin/kexin type 1; minus strand), LOC101929710 (uncharacterized LOC101929710; plus strand). Cytogenetic location: 5q15.
Variant type: single nucleotide variant.
Coding change: c.1935C>A on transcript NM_000439.5 (MANE Select); coding-DNA position 1935, C replaced by A.
Protein change: p.Ser645Arg; replaces serine 645 with arginine.
Molecular consequence: missense variant. On other transcripts: intron variant (11).
Genome position (GRCh38, 1-based): chr5:96,393,328, G>T on the plus strand (C>A on the coding strand, the complement: PCSK1 is on the minus strand). VCF-style: chr5-96393328-G-T. GRCh37 (hg19) VCF-style: chr5-95729032-G-T.
Other names: c.1794C>A, p.Ser598Arg (NM_001177875.2); c.-175+13676G>T (NM_001423254.1, NM_001423259.1, NM_001423255.1 and 6 more transcripts); c.-103+13676G>T (NM_001423253.1); c.-40+13676G>T (NM_001423258.1); short protein forms S598R, S645R.
Identifiers: ClinVar variation 2635066 (VCV002635066.1), dbSNP rs747454405, ClinGen allele CA3350082.

ClinVar aggregate classification (germline): Uncertain significance (1 of 4 stars; one submission).

Conditions:
PCSK1-related disorder. Also called: PCSK1-related condition.

Allele frequency attached by ClinVar (database versions not stated): ExAC 0.00001; gnomAD 0.00001.
gnomAD v4.1: 9 of 1,614,020 alleles (0.00056%); highest among the groups gnomAD compares: Non-Finnish European, 0.00076%; no homozygotes.

Submission:

PreventionGenetics, part of Exact Sciences
Classification: Uncertain significance for PCSK1-related condition. Last evaluated: 2022-11-04. Review status: criteria provided, single submitter. Criteria: ACMG Guidelines, 2015. Collection method: clinical testing. Allele origin: germline.
Comment: The PCSK1 c.1935C>A variant is predicted to result in the amino acid substitution p.Ser645Arg. To our knowledge, this variant has not been reported in the literature. This variant is reported in 0.0023% of alleles in individuals of European (Non-Finnish) descent in gnomAD. At this time, the clinical significance of this variant is uncertain due to the absence of conclusive functional and genetic evidence.